The following is an entry in ClinVar:

ClinVar aggregate classification (germline): Conflicting classifications of pathogenicity. Review status: criteria provided, conflicting classifications (1 of 4 stars). 5 submissions from 5 submitters: Uncertain significance (1); Benign (1); Likely benign (3). Last evaluated 2025-12-09.

Conditions:
Alagille syndrome due to a JAG1 point mutation. Also called: Alagille Syndrome 1; HEPATIC DUCTULAR HYPOPLASIA, SYNDROMATIC; JAG1-Related Alagille Syndrome. Identifiers: Orphanet 261619, Orphanet 52, MedGen C1956125, MONDO:0016862, OMIM 118450.
Cardiovascular phenotype. Identifiers: MedGen CN230736.
JAG1-related disorder. Also called: JAG1-related disorders; JAG1-related condition.

Allele frequency attached by ClinVar (database versions not stated): ESP Exome Variant Server 0.00015; TOPMed 0.00024; gnomAD 0.00032; 1000 Genomes Project 30x 0.00078; 1000 Genomes Project 0.00080.
gnomAD v4.1: 53 of 1,613,076 alleles (0.0033%); highest among the groups gnomAD compares: African/African-American, 0.056%; no homozygotes.

Submissions (5):

Labcorp Genetics (formerly Invitae), Labcorp
Classification: Benign for Alagille syndrome due to a JAG1 point mutation. Last evaluated: 2025-12-09. Review status: criteria provided, single submitter. Criteria: Invitae Variant Classification Sherloc (09022015). Collection method: clinical testing. Allele origin: germline.

PreventionGenetics, part of Exact Sciences
Classification: Likely benign for JAG1-related condition. Last evaluated: 2024-11-26. Review status: criteria provided, single submitter. Criteria: ACMG Guidelines, 2015. Collection method: clinical testing. Allele origin: germline.
Comment: This variant is classified as likely benign based on ACMG/AMP sequence variant interpretation guidelines (Richards et al. 2015 PMID: 25741868, with internal and published modifications).

Blueprint Genetics
Classification: Likely benign. Last evaluated: 2024-06-13. Review status: criteria provided, single submitter. Criteria: ACMG Guidelines, 2015. Collection method: clinical testing. Allele origin: germline.

Ambry Genetics
Classification: Likely benign for Cardiovascular phenotype. Last evaluated: 2022-03-23. Review status: criteria provided, single submitter. Criteria: Ambry Variant Classification Scheme 2023. Collection method: clinical testing. Allele origin: germline.

Eurofins Ntd Llc (ga)
Classification: Uncertain significance. Last evaluated: 2018-03-29. Review status: criteria provided, single submitter. Criteria: EGL ClinVar v180209 classification definitions. Collection method: clinical testing. Allele origin: germline. Observed: 7 variant alleles, 7 heterozygotes.

NM_000214.3(JAG1):c.2604T>C (p.Ser868=)

Gene: JAG1 (jagged canonical Notch ligand 1; minus strand). Cytogenetic location: 20p12.2.
Variant type: single nucleotide variant.
Coding change: c.2604T>C on transcript NM_000214.3 (MANE Select); coding-DNA position 2604, T replaced by C.
Protein change: p.Ser868=; no amino-acid change (serine 868 retained).
Molecular consequence: synonymous variant.
Genome position (GRCh38, 1-based): chr20:10,641,861, A>G on the plus strand (T>C on the coding strand, the complement: JAG1 is on the minus strand). VCF-style: chr20-10641861-A-G. GRCh37 (hg19) VCF-style: chr20-10622509-A-G.
Other names: c.2604T>C, p.Ser868= (LRG_1191t1).
Identifiers: ClinVar variation 291190 (VCV000291190.13), dbSNP rs138189639, ClinGen allele CA9764437.
Genomic context (GRCh38, chr20:10,641,861, plus strand): 5'-TCCATTCAGGCACTGGCAGGTATTACAGTCATCATCCCATTTGGCCCCATCTGGTATCAC[A>G]CTCCCCATGGTGATGCAAGGTCTCCCTGAAACTGACAGGTGGAGACGGGTGAGCAGTTTA-3'
Protein context (NP_000205.1, residues 858-878): VSGRPCITMG[Ser868=]VIPDGAKWDD